The following is an entry in ClinVar:

ClinVar aggregate classification (germline): Uncertain significance (1 of 4 stars; one submission).

Conditions:
Inborn genetic diseases. Identifiers: MedGen C0950123, MeSH D030342.

Submission:

Ambry Genetics
Classification: Uncertain significance for Inborn genetic diseases. Last evaluated: 2026-01-19. Review status: criteria provided, single submitter. Criteria: Ambry Variant Classification Scheme 2023. Collection method: clinical testing. Allele origin: germline.
Comment: The p.K1302N variant (also known as c.3906G>C), located in coding exon 13 of the ASXL1 gene, results from a G to C substitution at nucleotide position 3906. The lysine at codon 1302 is replaced by asparagine, an amino acid with similar properties. This amino acid position is conserved. In addition, this alteration is predicted to be tolerated by in silico analysis. Based on the available evidence, the clinical significance of this variant remains unclear.

NM_015338.6(ASXL1):c.3906G>C (p.Lys1302Asn)

Gene: ASXL1 (ASXL transcriptional regulator 1; plus strand). Cytogenetic location: 20q11.21.
Variant type: single nucleotide variant.
Coding change: c.3906G>C on transcript NM_015338.6 (MANE Select); coding-DNA position 3906, G replaced by C.
Protein change: p.Lys1302Asn; replaces lysine 1302 with asparagine.
Molecular consequence: missense variant.
Genome position (GRCh38, 1-based): chr20:32,436,618, G>C. VCF-style: chr20-32436618-G-C. GRCh37 (hg19) VCF-style: chr20-31024421-G-C.
Other names: c.3723G>C, p.Lys1241Asn (NM_001363734.1); short protein forms K1241N, K1302N.
Identifiers: ClinVar variation 4825189 (VCV004825189.1).